The following is an entry in ClinVar:

NM_001165963.4(SCN1A):c.1271T>C (p.Met424Thr)

Gene: SCN1A (sodium voltage-gated channel alpha subunit 1; minus strand). Cytogenetic location: 2q24.3.
Variant type: single nucleotide variant.
Coding change: c.1271T>C on transcript NM_001165963.4 (MANE Select); coding-DNA position 1271, T replaced by C.
Protein change: p.Met424Thr; replaces methionine 424 with threonine.
Molecular consequence: missense variant. On other transcripts: 5 prime UTR variant (1), non-coding transcript variant (1).
Genome position (GRCh38, 1-based): chr2:166,046,876, A>G on the plus strand (T>C on the coding strand, the complement: SCN1A is on the minus strand). VCF-style: chr2-166046876-A-G. GRCh37 (hg19) VCF-style: chr2-166903386-A-G.
Other names: c.1271T>C, p.Met424Thr (NM_001165964.3, NM_001202435.3, NM_001353948.2 and 10 more transcripts); c.-1155T>C (NM_001353961.2); short protein forms M424T.
Identifiers: ClinVar variation 808867 (VCV000808867.56), dbSNP rs1574234690, ClinGen allele CA349070843.

ClinVar aggregate classification (germline): Conflicting classifications of pathogenicity. Review status: criteria provided, conflicting classifications (1 of 4 stars). 6 submissions from 6 submitters: Pathogenic (1); Likely pathogenic (2); Uncertain significance (3). Last evaluated 2025-05-05.

Conditions:
Inborn genetic diseases. Identifiers: MedGen C0950123, MeSH D030342.
Early-infantile DEE. Also called: Early infantile epileptic encephalopathy with suppression bursts; Early infantile epileptic encephalopathy; Ohtahara syndrome. Identifiers: Orphanet 1934, MedGen C0393706, MONDO:0800491.
Generalized epilepsy with febrile seizures plus, type 2 (GEFSP2). Also called: GEFS+, TYPE 2. Identifiers: Orphanet 36387, MedGen C1858673, MONDO:0011461, OMIM 604403.

Submissions (6):

Department of Human Genetics, Hannover Medical School
Classification: Likely pathogenic for Generalized epilepsy with febrile seizures plus, type 2. Last evaluated: 2025-05-05. Review status: criteria provided, single submitter. Criteria: ACMG Guidelines, 2015. Collection method: clinical testing. Allele origin: germline. Affected: yes.
Comment: ClinGen: PS4_Moderate, PM1, PM2_Supporting, PP3_Moderate

GeneDx
Classification: Likely pathogenic. Last evaluated: 2024-12-17. Review status: criteria provided, single submitter. Criteria: GeneDx Variant Classification Process June 2021. Collection method: clinical testing. Allele origin: germline. Affected: yes.
Comment: In silico analysis supports that this missense variant has a deleterious effect on protein structure/function; Not observed at significant frequency in large population cohorts (gnomAD); This substitution is predicted to be within the cytoplasmic loop between the first and second homologous domains; This variant is associated with the following publications: (PMID: 38448015)

Labcorp Genetics (formerly Invitae), Labcorp
Classification: Pathogenic for Early-infantile DEE. Last evaluated: 2024-04-02. Review status: criteria provided, single submitter. Criteria: Invitae Variant Classification Sherloc (09022015). Collection method: clinical testing. Allele origin: germline.
Comment: This sequence change replaces methionine, which is neutral and non-polar, with threonine, which is neutral and polar, at codon 424 of the SCN1A protein (p.Met424Thr). This variant is not present in population databases (gnomAD no frequency). This missense change has been observed in individuals with clinical features of SCN1A-related conditions (Invitae). It has also been observed to segregate with disease in related individuals. ClinVar contains an entry for this variant (Variation ID: 808867). Advanced modeling of protein sequence and biophysical properties (such as structural, functional, and spatial information, amino acid conservation, physicochemical variation, residue mobility, and thermodynamic stability) performed at Invitae indicates that this missense variant is expected to disrupt SCN1A protein function with a positive predictive value of 95%. For these reasons, this variant has been classified as Pathogenic.

CeGaT Center for Human Genetics Tuebingen
Classification: Uncertain significance. Last evaluated: 2019-07-01. Review status: criteria provided, single submitter. Criteria: CeGaT Center For Human Genetics Tuebingen Variant Classification Criteria Version 2. Collection method: clinical testing. Allele origin: germline. Affected: yes. Observed: 3 variant alleles.

Blueprint Genetics
Classification: Uncertain significance. Last evaluated: 2018-01-10. Review status: criteria provided, single submitter. Criteria: ACMG Guidelines, 2015. Collection method: clinical testing. Allele origin: germline.

Ambry Genetics
Classification: Uncertain significance for Inborn genetic diseases. Last evaluated: 2017-07-24. Review status: criteria provided, single submitter. Criteria: Ambry Variant Classification Scheme 2023. Collection method: clinical testing. Allele origin: germline.
Comment: The p.M424T variant (also known as c.1271T>C), located in coding exon 9 of the SCN1A gene, results from a T to C substitution at nucleotide position 1271. The methionine at codon 424 is replaced by threonine, an amino acid with similar properties. This amino acid position is highly conserved in available vertebrate species. In addition, this alteration is predicted to be deleterious by in silico analysis. Since supporting evidence is limited at this time, the clinical significance of this alteration remains unclear.